The following is an entry in ClinVar:

ClinVar aggregate classification (germline): Pathogenic (1 of 4 stars; one submission).

Conditions:
BCS1L-related disorder. Also called: BCS1L-related condition; BCS1L-related disorders. Identifiers: MedGen CN239240.

Submission:

Myriad Genetics, Inc.
Classification: Pathogenic for BCS1L-related disorder. Last evaluated: 2025-04-21. Review status: criteria provided, single submitter. Criteria: Myriad Autosomal Dominant, Autosomal Recessive and X-Linked Classification Criteria (2023). Collection method: clinical testing. Allele origin: unknown.
Comment: NM_004328.4(BCS1L):c.403_404delGT(V135Hfs*8) is expected to be pathogenic in the context of BCS1L-related disorders. This variant is predicted to lead to an abnormal or absent protein product due to the creation of a premature termination codon in BCS1L, a gene where loss-of-function variants are known to be pathogenic. Please note: this variant was assessed in the context of healthy population screening.

NM_001079866.2(BCS1L):c.403_404del (p.Val135fs)

Gene: BCS1L (BCS1 ubiquinol-cytochrome c reductase complex chaperone; plus strand). Cytogenetic location: 2q35.
Variant type: Deletion.
Coding change: c.403_404del on transcript NM_001079866.2 (MANE Select); coding-DNA positions 403 to 404, 2 bases deleted (GT; older notation c.403_404delGT).
Protein change: p.Val135fs; shifts the reading frame from valine 135.
Molecular consequence: frameshift variant. On other transcripts: 5 prime UTR variant (5), non-coding transcript variant (1), intron variant (1).
Genome position (GRCh38, 1-based): chr2:218,661,488-218,661,489, GT deleted; deleting any 2 consecutive bases within chr2:218,661,487-218,661,489 gives the same sequence; the c. name uses the placement nearest the transcript's 3' end. VCF-style (leftmost placement, unchanged base first): chr2-218661486-CTG-C. GRCh37 (hg19) VCF-style: chr2-219526209-CTG-C.
Other names: c.403_404del, p.Val135fs (NM_001257342.2, NM_001257343.2, NM_001257344.2 and 10 more transcripts); c.43_44del, p.Val15fs (NM_001318836.2, NM_001371451.1); c.-74_-73del (NM_001371453.1, NM_001371454.1, NM_001371455.1 and 2 more transcripts); c.-41-271_-41-270del (NM_001371452.1); short protein forms V135fs, V15fs.
Identifiers: ClinVar variation 5014345 (VCV005014345.1).